The following is an entry in ClinVar:

ClinVar aggregate classification (germline): Uncertain significance (1 of 4 stars; one submission).

Conditions:
PLEKHG2-related disorder. Also called: PLEKHG2-related condition.

Submission:

PreventionGenetics, part of Exact Sciences
Classification: Uncertain significance for PLEKHG2-related condition. Last evaluated: 2025-06-20. Review status: criteria provided, single submitter. Criteria: ACMG Guidelines, 2015. Collection method: clinical testing. Allele origin: germline.
Comment: The PLEKHG2 c.1535C>T variant is predicted to result in the amino acid substitution p.Pro512Leu. To our knowledge, this variant has not been reported in the literature or in a large population database (gnomAD), indicating this variant is rare. At this time, the clinical significance of this variant is uncertain due to the absence of conclusive functional and genetic evidence.

NM_022835.3(PLEKHG2):c.1535C>T (p.Pro512Leu)

Gene: PLEKHG2 (pleckstrin homology and RhoGEF domain containing G2; plus strand). Cytogenetic location: 19q13.2.
Variant type: single nucleotide variant.
Coding change: c.1535C>T on transcript NM_022835.3 (MANE Select); coding-DNA position 1535, C replaced by T.
Protein change: p.Pro512Leu; replaces proline 512 with leucine.
Molecular consequence: missense variant.
Genome position (GRCh38, 1-based): chr19:39,422,146, C>T. VCF-style: chr19-39422146-C-T. GRCh37 (hg19) VCF-style: chr19-39912786-C-T.
Other names: c.1358C>T, p.Pro453Leu (NM_001351693.2); c.1535C>T, p.Pro512Leu (NM_001351694.2); short protein forms P453L, P512L.
Identifiers: ClinVar variation 5000132 (VCV005000132.1).
Genomic context (GRCh38, chr19:39,422,146, plus strand): 5'-TTGCCTTCCATTGCTTTCCCTCCTCACAGCACGCTGGCAGCGAAGGGGAACTCTACCCTC[C>T]AGAATCTCAGCCACCAGTTTCAGGCTCTGCACCCCCTGAGGACCTGGAGGATGCTGGACC-3'
Protein context (NP_073746.2, residues 502-522): HAGSEGELYP[Pro512Leu]ESQPPVSGSA